The following is an entry in ClinVar:

NM_000297.4(PKD2):c.2118G>T (p.Lys706Asn)

Gene: PKD2 (polycystin 2, transient receptor potential cation channel; plus strand). Cytogenetic location: 4q22.1.
Variant type: single nucleotide variant.
Coding change: c.2118G>T on transcript NM_000297.4 (MANE Select); coding-DNA position 2118, G replaced by T.
Protein change: p.Lys706Asn; replaces lysine 706 with asparagine.
Molecular consequence: missense variant. On other transcripts: non-coding transcript variant (1).
Genome position (GRCh38, 1-based): chr4:88,062,004, G>T. VCF-style: chr4-88062004-G-T. GRCh37 (hg19) VCF-style: chr4-88983156-G-T.
Other names: short protein forms K706N.
Identifiers: ClinVar variation 3361901 (VCV003361901.1).

ClinVar aggregate classification (germline): Uncertain significance (1 of 4 stars; one submission).

Submission:

GeneDx
Classification: Uncertain significance. Last evaluated: 2023-08-01. Review status: criteria provided, single submitter. Criteria: GeneDx Variant Classification Process June 2021. Collection method: clinical testing. Allele origin: germline. Affected: yes.
Comment: Not observed at significant frequency in large population cohorts (gnomAD); Alters the last nucleotide of the exon in a gene for which loss of function is a known mechanism of disease, and both splice predictors and evolutionary conservation support a deleterious effect, although in the absence of functional evidence the actual effect of this sequence change is unknown; In silico analysis supports that this missense variant has a deleterious effect on protein structure/function; Has not been previously published as pathogenic or benign to our knowledge